The following is an entry in ClinVar:

NM_001129729.3(PLEKHG4):c.2826C>T (p.Ser942=)

Gene: PLEKHG4 (pleckstrin homology and RhoGEF domain containing G4; plus strand). Cytogenetic location: 16q22.1.
Variant type: single nucleotide variant.
Coding change: c.2826C>T on transcript NM_001129729.3 (MANE Select); coding-DNA position 2826, C replaced by T.
Protein change: p.Ser942=; no amino-acid change (serine 942 retained).
Molecular consequence: synonymous variant.
Genome position (GRCh38, 1-based): chr16:67,286,820, C>T. VCF-style: chr16-67286820-C-T. GRCh37 (hg19) VCF-style: chr16-67320723-C-T.
Other names: c.2826C>T, p.Ser942= (NM_001129728.2, NM_001129727.3); c.2583C>T, p.Ser861= (NM_001129731.3).
Identifiers: ClinVar variation 2646620 (VCV002646620.24), dbSNP rs201806432, ClinGen allele CA8108205.
Genomic context (GRCh38, chr16:67,286,820, plus strand): 5'-GGAACAGGGGCAGCTGGTGCGACAGGATGAGTTTGTGGTGCGCACTGGGCGCCACAAGTC[C>T]GTGCGCCGCATCTTCCTTTTTGAGGAGCTGCTGCTCTTCAGCAAGCCTCGCCATGGGCCC-3'
Protein context (NP_001123201.1, residues 932-952): EFVVRTGRHK[Ser942=]VRRIFLFEEL

ClinVar aggregate classification (germline): Likely benign (1 of 4 stars; one submission).

Allele frequency attached by ClinVar (database versions not stated): 1000 Genomes Project 30x 0.00016; 1000 Genomes Project 0.00020; ExAC 0.00021; gnomAD 0.00022; gnomAD exomes 0.00026; TOPMed 0.00031.
gnomAD v4.1: 412 of 1,613,746 alleles (0.026%); highest among the groups gnomAD compares: South Asian, 0.081%; no homozygotes.

Submission:

CeGaT Center for Human Genetics Tuebingen
Classification: Likely benign. Last evaluated: 2023-04-01. Review status: criteria provided, single submitter. Criteria: CeGaT Center For Human Genetics Tuebingen Variant Classification Criteria Version 2. Collection method: clinical testing. Allele origin: germline. Affected: yes. Observed: 1 variant allele.
Comment: PLEKHG4: BP4, BP7